The following is an entry in ClinVar:

ClinVar aggregate classification (germline): Likely benign (1 of 4 stars; one submission).

gnomAD v4.1: 1 of 1,609,834 alleles (0.000062%); highest among the groups gnomAD compares: Non-Finnish European, 0.000085%; no homozygotes.

Submission:

CeGaT Center for Human Genetics Tuebingen
Classification: Likely benign. Last evaluated: 2023-12-01. Review status: criteria provided, single submitter. Criteria: CeGaT Center For Human Genetics Tuebingen Variant Classification Criteria Version 2. Collection method: clinical testing. Allele origin: germline. Affected: yes. Observed: 1 variant allele.
Comment: RYR1: PM2:Supporting, BP4, BP7

NM_000540.3(RYR1):c.3924G>T (p.Pro1308=)

Gene: RYR1 (ryanodine receptor 1; plus strand). Cytogenetic location: 19q13.2.
Variant type: single nucleotide variant.
Coding change: c.3924G>T on transcript NM_000540.3 (MANE Select); coding-DNA position 3924, G replaced by T.
Protein change: p.Pro1308=; no amino-acid change (proline 1308 retained).
Molecular consequence: synonymous variant.
Genome position (GRCh38, 1-based): chr19:38,473,535, G>T. VCF-style: chr19-38473535-G-T. GRCh37 (hg19) VCF-style: chr19-38964175-G-T.
Other names: c.3924G>T, p.Pro1308= (NM_001042723.2).
Identifiers: ClinVar variation 2649793 (VCV002649793.24), dbSNP rs144350050, ClinGen allele CA507353029.
Genomic context (GRCh38, chr19:38,473,535, plus strand): 5'-GCGGCTGAGCCTCCCAGTCCAGTTCCACCAGCACTTCCGCTGCACTGCAGGGGCCACCCC[G>T]CTGGCACCTCCTGGCCTGCAGCCCCCCGCCGAGGACGAGGCCCGGGCGGCGGAACCCGAC-3'
Protein context (NP_000531.2, residues 1298-1318): QHFRCTAGAT[Pro1308=]LAPPGLQPPA